The following is an entry in ClinVar:

ClinVar aggregate classification (germline): Benign/Likely benign. Review status: criteria provided, multiple submitters, no conflicts (2 of 4 stars). 2 submissions from 2 submitters: Benign (1); Likely benign (1). Last evaluated 2025-06-03.

Conditions:
Hereditary cancer-predisposing syndrome. Also called: Tumor predisposition; Hereditary Cancer Syndrome; Hereditary neoplastic syndrome; Neoplastic Syndromes, Hereditary. Identifiers: Orphanet 140162, MedGen C0027672, MeSH D009386, MONDO:0015356.
Tuberous sclerosis 2 (TSC2). Identifiers: Orphanet 805, MedGen C1860707, MONDO:0013199, OMIM 613254.

Submissions (2):

Myriad Genetics, Inc.
Classification: Benign for Tuberous sclerosis 2. Last evaluated: 2025-06-03. Review status: criteria provided, single submitter. Criteria: Myriad Autosomal Dominant, Autosomal Recessive and X-Linked Classification Criteria (2023). Collection method: clinical testing. Allele origin: unknown.
Comment: This variant is considered benign. This variant is a silent/synonymous amino acid change and it is not expected to impact splicing.

Ambry Genetics
Classification: Likely benign for Hereditary cancer-predisposing syndrome. Last evaluated: 2015-08-06. Review status: criteria provided, single submitter. Criteria: Ambry Variant Classification Scheme 2023. Collection method: clinical testing. Allele origin: germline.

NM_000548.5(TSC2):c.4467A>C (p.Ala1489=)

Gene: TSC2 (TSC complex subunit 2; plus strand). Cytogenetic location: 16p13.3.
Variant type: single nucleotide variant.
Coding change: c.4467A>C on transcript NM_000548.5 (MANE Select); coding-DNA position 4467, A replaced by C.
Protein change: p.Ala1489=; no amino-acid change (alanine 1489 retained).
Molecular consequence: synonymous variant.
Genome position (GRCh38, 1-based): chr16:2,084,689, A>C. VCF-style: chr16-2084689-A-C. GRCh37 (hg19) VCF-style: chr16-2134690-A-C.
Other names: c.4266A>C, p.Ala1422= (NM_001077183.3); c.4398A>C, p.Ala1466= (NM_001114382.3); c.4158A>C, p.Ala1386= (NM_001318827.2); c.4122A>C, p.Ala1374= (NM_001318829.2); c.3735A>C, p.Ala1245= (NM_001318831.2); c.4299A>C, p.Ala1433= (NM_001318832.2); c.4269A>C, p.Ala1423= (NM_001363528.2); c.4335A>C, p.Ala1445= (NM_001370404.1); and 1 more.
Identifiers: ClinVar variation 233307 (VCV000233307.6), dbSNP rs876660324, ClinGen allele CA10579901.